The following is an entry in ClinVar:

ClinVar aggregate classification (germline): Uncertain significance (1 of 4 stars; one submission).

Conditions:
Developmental and epileptic encephalopathy, 32 (DEE32). Also called: Epileptic encephalopathy, early infantile, 32. Identifiers: Orphanet 442835, MedGen C4225350, MONDO:0014607, OMIM 616366.

Submission:

Labcorp Genetics (formerly Invitae), Labcorp
Classification: Uncertain significance for Developmental and epileptic encephalopathy, 32. Last evaluated: 2019-12-13. Review status: criteria provided, single submitter. Criteria: Invitae Variant Classification Sherloc (09022015). Collection method: clinical testing. Allele origin: germline.
Comment: In summary, the available evidence is currently insufficient to determine the role of this variant in disease. Therefore, it has been classified as a Variant of Uncertain Significance. Algorithms developed to predict the effect of missense changes on protein structure and function are either unavailable or do not agree on the potential impact of this missense change (SIFT: "Deleterious"; PolyPhen-2: "Benign"; Align-GVGD: "Class C35"). This variant has not been reported in the literature in individuals with KCNA2-related conditions. This variant is not present in population databases (ExAC no frequency). This sequence change replaces glutamic acid with aspartic acid at codon 117 of the KCNA2 protein (p.Glu117Asp). The glutamic acid residue is highly conserved and there is a small physicochemical difference between glutamic acid and aspartic acid.

NM_004974.4(KCNA2):c.351G>T (p.Glu117Asp)

Gene: KCNA2 (potassium voltage-gated channel subfamily A member 2; minus strand). Cytogenetic location: 1p13.3.
Variant type: single nucleotide variant.
Coding change: c.351G>T on transcript NM_004974.4 (MANE Select); coding-DNA position 351, G replaced by T.
Protein change: p.Glu117Asp; replaces glutamic acid 117 with aspartic acid.
Molecular consequence: missense variant.
Genome position (GRCh38, 1-based): chr1:110,604,432, C>A on the plus strand (G>T on the coding strand, the complement: KCNA2 is on the minus strand). VCF-style: chr1-110604432-C-A. GRCh37 (hg19) VCF-style: chr1-111147054-C-A.
Other names: c.351G>T, p.Glu117Asp (NM_001204269.2); short protein forms E117D.
Identifiers: ClinVar variation 854988 (VCV000854988.12), dbSNP rs1649507257, ClinGen allele CA341605783.